The following is an entry in ClinVar:

NM_001429.4(EP300):c.5997A>G (p.Gly1999=)

Gene: EP300 (EP300 lysine acetyltransferase; plus strand). Cytogenetic location: 22q13.2.
Variant type: single nucleotide variant.
Coding change: c.5997A>G on transcript NM_001429.4 (MANE Select); coding-DNA position 5997, A replaced by G.
Protein change: p.Gly1999=; no amino-acid change (glycine 1999 retained).
Molecular consequence: synonymous variant.
Genome position (GRCh38, 1-based): chr22:41,177,708, A>G. VCF-style: chr22-41177708-A-G. GRCh37 (hg19) VCF-style: chr22-41573712-A-G.
Other names: c.5919A>G, p.Gly1973= (NM_001362843.2).
Identifiers: ClinVar variation 3357823 (VCV003357823.2).

ClinVar aggregate classification (germline): Likely benign. Review status: criteria provided, single submitter (1 of 4 stars). 2 submissions from 2 submitters: Likely benign (1). 1 of the submissions does not count toward it. Last evaluated 2022-08-02.

Conditions:
EP300-related disorder. Also called: EP300-related disorders; EP300-related condition.

gnomAD v4.1: 7 of 1,613,782 alleles (0.00043%); highest among the groups gnomAD compares: Non-Finnish European, 0.00059%; no homozygotes.

Submissions (2):

Blueprint Genetics
Classification: Likely benign. Last evaluated: 2022-08-02. Review status: criteria provided, single submitter. Criteria: ACMG Guidelines, 2015. Collection method: clinical testing. Allele origin: germline.

PreventionGenetics, part of Exact Sciences
Classification: Likely benign for EP300-related condition. Last evaluated: 2024-07-29. Review status: no assertion criteria provided. Collection method: clinical testing. Allele origin: germline. Not counted in ClinVar's aggregate classification.
Comment: This variant is classified as likely benign based on ACMG/AMP sequence variant interpretation guidelines (Richards et al. 2015 PMID: 25741868, with internal and published modifications).